The following is an entry in ClinVar:

ClinVar aggregate classification (germline): Uncertain significance (1 of 4 stars; one submission).

Submission:

Labcorp Genetics (formerly Invitae), Labcorp
Classification: Uncertain significance. Last evaluated: 2021-02-01. Review status: criteria provided, single submitter. Criteria: Invitae Variant Classification Sherloc (09022015). Collection method: clinical testing. Allele origin: germline.
Comment: In summary, the available evidence is currently insufficient to determine the role of this variant in disease. Therefore, it has been classified as a Variant of Uncertain Significance. Algorithms developed to predict the effect of missense changes on protein structure and function are either unavailable or do not agree on the potential impact of this missense change (SIFT: "Deleterious"; PolyPhen-2: "Probably Damaging"; Align-GVGD: "Class C15"). This variant has been observed in individual(s) with osteogenesis imperfecta (external communication). In at least one individual the data is consistent with the variant being in trans (on the opposite chromosome) from a pathogenic variant. This variant is not present in population databases (ExAC no frequency). This sequence change replaces glycine with arginine at codon 168 of the WNT1 protein (p.Gly168Arg). The glycine residue is highly conserved and there is a moderate physicochemical difference between glycine and arginine.

NM_005430.4(WNT1):c.502G>C (p.Gly168Arg)

Gene: WNT1 (Wnt family member 1; plus strand). Cytogenetic location: 12q13.12.
Variant type: single nucleotide variant.
Coding change: c.502G>C on transcript NM_005430.4 (MANE Select); coding-DNA position 502, G replaced by C.
Protein change: p.Gly168Arg; replaces glycine 168 with arginine.
Molecular consequence: missense variant.
Genome position (GRCh38, 1-based): chr12:48,980,567, G>C. VCF-style: chr12-48980567-G-C. GRCh37 (hg19) VCF-style: chr12-49374350-G-C.
Other names: short protein forms G168R.
Identifiers: ClinVar variation 1417150 (VCV001417150.8), dbSNP rs2137624395, ClinGen allele CA384631807.
Genomic context (GRCh38, chr12:48,980,567, plus strand): 5'-ATCGAATCCTGCACGTGTGACTACCGGCGGCGCGGCCCCGGGGGCCCCGACTGGCACTGG[G>C]GGGGCTGCAGCGACAACATTGACTTCGGCCGCCTCTTCGGCCGGGAGTTCGTGGACTCCG-3'
Protein context (NP_005421.1, residues 158-178): RGPGGPDWHW[Gly168Arg]GCSDNIDFGR